The following is an entry in ClinVar:

NC_000017.10:g.(?_41277268)_(41277500_?)dup

Gene: BRCA1 (BRCA1 DNA repair associated; minus strand). Cytogenetic location: 17q21.31.
Variant type: Duplication.
Identifiers: ClinVar variation 2425744 (VCV002425744.6).

ClinVar aggregate classification (germline): Uncertain significance (1 of 4 stars; one submission).

Conditions:
Hereditary breast ovarian cancer syndrome. Also called: Hereditary breast and ovarian cancer syndrome (HBOC); Breast and ovarian cancer; Hereditary breast and/or ovarian cancer syndrome; Hereditary breast and ovarian cancer; BRCA1- and BRCA2-Associated Hereditary Breast and Ovarian Cancer; Hereditary breast and ovarian cancer syndrome. Identifiers: Orphanet 145, MedGen C0677776, MeSH D061325, MONDO:0003582. Disease mechanism: loss of function.

Submission:

Labcorp Genetics (formerly Invitae), Labcorp
Classification: Uncertain significance for Hereditary breast ovarian cancer syndrome. Last evaluated: 2022-09-01. Review status: criteria provided, single submitter. Criteria: Invitae Variant Classification Sherloc (09022015). Collection method: clinical testing. Allele origin: germline.
Comment: This variant is a copy number gain that occurs in a non-coding region of the BRCA1 gene. It does not change the encoded amino acid sequence of the BRCA1 protein. A similar copy number variant has been observed in individual(s) with breast cancer (PMID: 23879077). Experimental studies and prediction algorithms are not available or were not evaluated, and the functional significance of this variant is currently unknown. In summary, the available evidence is currently insufficient to determine the role of this variant in disease. Therefore, it has been classified as a Variant of Uncertain Significance.

Literature cited by the submitters: PubMed 23879077.